The following is an entry in ClinVar:

NM_000287.4(PEX6):c.76G>C (p.Gly26Arg)

Gene: PEX6 (peroxisomal biogenesis factor 6; minus strand). Cytogenetic location: 6p21.1.
Variant type: single nucleotide variant.
Coding change: c.76G>C on transcript NM_000287.4 (MANE Select); coding-DNA position 76, G replaced by C.
Protein change: p.Gly26Arg; replaces glycine 26 with arginine.
Molecular consequence: missense variant. On other transcripts: non-coding transcript variant (1).
Genome position (GRCh38, 1-based): chr6:42,979,075, C>G on the plus strand (G>C on the coding strand, the complement: PEX6 is on the minus strand). VCF-style: chr6-42979075-C-G. GRCh37 (hg19) VCF-style: chr6-42946813-C-G.
Other names: c.76G>C, p.Gly26Arg (NM_001316313.2); short protein forms G26R.
Identifiers: ClinVar variation 908377 (VCV000908377.8), dbSNP rs1268867658, ClinGen allele CA364169403.
Genomic context (GRCh38, chr6:42,979,075, plus strand): 5'-TCTCCCCTGCAGGCCTCAGGGCCAGCACCAGGCCCAGCTCCGCCGCCGGCCACGGGCCCC[C>G]GGGTGGCAGCAGCACTGCCAACGGGGGTGTCTCGGTCGGAAAGGGCTCCAGGACCCGCAA-3'
Protein context (NP_000278.3, residues 16-36): TPPLAVLLPP[Gly26Arg]GPWPAAELGL

ClinVar aggregate classification (germline): Uncertain significance. Review status: criteria provided, multiple submitters, no conflicts (2 of 4 stars). 2 submissions from 2 submitters: Uncertain significance (2). Last evaluated 2023-08-17.

Conditions:
Peroxisome biogenesis disorder 4A (Zellweger) (PBD4A). Also called: Zellweger syndrome spectrum (PEX6-related). Identifiers: Orphanet 912, MedGen C3553936, MONDO:0013930, OMIM 614862. Disease mechanism: loss of function.
Peroxisome biogenesis disorder. Identifiers: Orphanet 79189, MedGen C1832200, MONDO:0019234. Disease mechanism: loss of function.

Submissions (2):

Labcorp Genetics (formerly Invitae), Labcorp
Classification: Uncertain significance for Peroxisome biogenesis disorder. Last evaluated: 2023-08-17. Review status: criteria provided, single submitter. Criteria: Invitae Variant Classification Sherloc (09022015). Collection method: clinical testing. Allele origin: germline.
Comment: In summary, the available evidence is currently insufficient to determine the role of this variant in disease. Therefore, it has been classified as a Variant of Uncertain Significance. This sequence change replaces glycine, which is neutral and non-polar, with arginine, which is basic and polar, at codon 26 of the PEX6 protein (p.Gly26Arg). This variant is not present in population databases (gnomAD no frequency). This variant has not been reported in the literature in individuals affected with PEX6-related conditions. ClinVar contains an entry for this variant (Variation ID: 908377). An algorithm developed to predict the effect of missense changes on protein structure and function (PolyPhen-2) suggests that this variant is likely to be tolerated.

Illumina Laboratory Services, Illumina
Classification: Uncertain significance for Peroxisome biogenesis disorder 4A (Zellweger). Last evaluated: 2018-01-13. Review status: criteria provided, single submitter. Criteria: ICSL Variant Classification Criteria 13 December 2019. Collection method: clinical testing. Allele origin: germline.